The following is an entry in ClinVar:

NM_001994.3(F13B):c.1228G>A (p.Gly410Arg)

Gene: F13B (coagulation factor XIII B chain; minus strand). Cytogenetic location: 1q31.3.
Variant type: single nucleotide variant.
Coding change: c.1228G>A on transcript NM_001994.3 (MANE Select); coding-DNA position 1228, G replaced by A.
Protein change: p.Gly410Arg; replaces glycine 410 with arginine.
Molecular consequence: missense variant.
Genome position (GRCh38, 1-based): chr1:197,055,841, C>T on the plus strand (G>A on the coding strand, the complement: F13B is on the minus strand). VCF-style: chr1-197055841-C-T. GRCh37 (hg19) VCF-style: chr1-197024971-C-T.
Other names: short protein forms G410R.
Identifiers: ClinVar variation 876612 (VCV000876612.4), dbSNP rs144134146, ClinGen allele CA1308378.

ClinVar aggregate classification (germline): Uncertain significance (1 of 4 stars; one submission).

Conditions:
Factor XIII, b subunit, deficiency of. Also called: Factor XIII subunit B deficiency. Identifiers: Orphanet 331, MedGen C2750481, MONDO:0013190, OMIM 613235, HP:0040234.

Allele frequency attached by ClinVar (database versions not stated): ExAC 0.00022; gnomAD exomes 0.00022 and 0.00026; gnomAD 0.00039 and 0.00042; TOPMed 0.00043; ESP Exome Variant Server 0.00046.
gnomAD v4.1: 440 of 1,613,452 alleles (0.027%); highest among the groups gnomAD compares: African/African-American, 0.047%; 2 homozygotes.

Submission:

Illumina Laboratory Services, Illumina
Classification: Uncertain significance for Factor XIII, b subunit, deficiency of. Last evaluated: 2017-04-27. Review status: criteria provided, single submitter. Criteria: ICSL Variant Classification Criteria 13 December 2019. Collection method: clinical testing. Allele origin: germline.
Comment: This variant was observed as part of a predisposition screen in an ostensibly healthy population. A literature search was performed for the gene, cDNA change, and amino acid change (where applicable). Publications were found based on this search. However, the evidence from the literature, in combination with allele frequency data from public databases where available, was not sufficient to rule this variant in or out of causing disease. Therefore, this variant is classified as a variant of unknown significance.

Literature cited by the submitters: PubMed 14695539.